The following is an entry in ClinVar:

ClinVar aggregate classification (germline): Likely benign. Review status: criteria provided, multiple submitters, no conflicts (2 of 4 stars). 3 submissions from 3 submitters: Likely benign (2). 1 of the submissions does not count toward it. Last evaluated 2024-11-21.

Conditions:
SLC28A1-related disorder. Also called: SLC28A1-related condition.

Allele frequency attached by ClinVar (database versions not stated): ESP Exome Variant Server 0.00492; ExAC 0.00521; gnomAD 0.00529; gnomAD exomes 0.00732; 1000 Genomes Project 30x 0.00187; 1000 Genomes Project 0.00200; TOPMed 0.00458.
gnomAD v4.1: 11,488 of 1,614,000 alleles (0.71%); highest among the groups gnomAD compares: Non-Finnish European, 0.83%; 54 homozygotes.

Submissions (3):

Blueprint Genetics
Classification: Likely benign. Last evaluated: 2024-11-21. Review status: criteria provided, single submitter. Criteria: ACMG Guidelines, 2015. Collection method: clinical testing. Allele origin: germline.

CeGaT Center for Human Genetics Tuebingen
Classification: Likely benign. Last evaluated: 2023-01-01. Review status: criteria provided, single submitter. Criteria: CeGaT Center For Human Genetics Tuebingen Variant Classification Criteria Version 2. Collection method: clinical testing. Allele origin: germline. Affected: yes. Observed: 1 variant allele.
Comment: SLC28A1: BP4, BS2

PreventionGenetics, part of Exact Sciences
Classification: Benign for SLC28A1-related condition. Last evaluated: 2019-11-13. Review status: no assertion criteria provided. Collection method: clinical testing. Allele origin: germline. Not counted in ClinVar's aggregate classification.
Comment: This variant is classified as benign based on ACMG/AMP sequence variant interpretation guidelines (Richards et al. 2015 PMID: 25741868, with internal and published modifications).

NM_004213.5(SLC28A1):c.440G>A (p.Arg147His)

Gene: SLC28A1 (solute carrier family 28 member 1; plus strand). Cytogenetic location: 15q25.3.
Variant type: single nucleotide variant.
Coding change: c.440G>A on transcript NM_004213.5 (MANE Select); coding-DNA position 440, G replaced by A.
Protein change: p.Arg147His; replaces arginine 147 with histidine.
Molecular consequence: missense variant.
Genome position (GRCh38, 1-based): chr15:84,895,102, G>A. VCF-style: chr15-84895102-G-A. GRCh37 (hg19) VCF-style: chr15-85438333-G-A.
Other names: c.440G>A (NM_001287762.1); c.440G>A, p.Arg147His (NM_001287761.2, NM_001287762.2, NM_001321721.2 and 2 more transcripts); short protein forms R147H.
Identifiers: ClinVar variation 2645652 (VCV002645652.26), dbSNP rs116707209, ClinGen allele CA7710336.